The following is an entry in ClinVar:

ClinVar aggregate classification (germline): Uncertain significance (1 of 4 stars; one submission).

Allele frequency attached by ClinVar (database versions not stated): ExAC 0.00001.

Submission:

CeGaT Center for Human Genetics Tuebingen
Classification: Uncertain significance. Last evaluated: 2023-05-01. Review status: criteria provided, single submitter. Criteria: CeGaT Center For Human Genetics Tuebingen Variant Classification Criteria Version 2. Collection method: clinical testing. Allele origin: germline. Affected: yes. Observed: 1 variant allele.
Comment: SETD2: PM2, BP4

NM_014159.7(SETD2):c.2616A>C (p.Gln872His)

Gene: SETD2 (SET domain containing 2, histone lysine methyltransferase; minus strand). Cytogenetic location: 3p21.31.
Variant type: single nucleotide variant.
Coding change: c.2616A>C on transcript NM_014159.7 (MANE Select); coding-DNA position 2616, A replaced by C.
Protein change: p.Gln872His; replaces glutamine 872 with histidine.
Molecular consequence: missense variant. On other transcripts: non-coding transcript variant (1).
Genome position (GRCh38, 1-based): chr3:47,122,020, T>G on the plus strand (A>C on the coding strand, the complement: SETD2 is on the minus strand). VCF-style: chr3-47122020-T-G. GRCh37 (hg19) VCF-style: chr3-47163510-T-G.
Other names: c.2484A>C, p.Gln828His (NM_001349370.3); short protein forms Q828H, Q872H.
Identifiers: ClinVar variation 2571178 (VCV002571178.27), dbSNP rs747990258, ClinGen allele CA2363510.